The following is an entry in ClinVar:

NM_003442.6(ZNF143):c.592A>G (p.Ser198Gly)

Gene: ZNF143 (zinc finger protein 143; plus strand). Cytogenetic location: 11p15.4.
Variant type: single nucleotide variant.
Coding change: c.592A>G on transcript NM_003442.6 (MANE Select); coding-DNA position 592, A replaced by G.
Protein change: p.Ser198Gly; replaces serine 198 with glycine.
Molecular consequence: missense variant.
Genome position (GRCh38, 1-based): chr11:9,479,493, A>G. VCF-style: chr11-9479493-A-G. GRCh37 (hg19) VCF-style: chr11-9501040-A-G.
Other names: c.589A>G, p.Ser197Gly (NM_001282656.2); c.499A>G, p.Ser167Gly (NM_001282657.2); short protein forms S167G, S198G, S197G.
Identifiers: ClinVar variation 4608362 (VCV004608362.2).

ClinVar aggregate classification (germline): Uncertain significance. Review status: criteria provided, multiple submitters, no conflicts (2 of 4 stars). 2 submissions from 2 submitters: Uncertain significance (2). Last evaluated 2025-10-08.

gnomAD v4.1: 14 of 1,613,056 alleles (0.00087%); highest among the groups gnomAD compares: East Asian, 0.011%; no homozygotes.

Submissions (2):

Ambry Genetics
Classification: Uncertain significance. Last evaluated: 2025-10-08. Review status: criteria provided, single submitter. Criteria: Ambry Variant Classification Scheme 2023. Collection method: clinical testing. Allele origin: germline.

Labcorp Genetics (formerly Invitae), Labcorp
Classification: Uncertain significance. Last evaluated: 2025-08-18. Review status: criteria provided, single submitter. Criteria: Invitae Variant Classification Sherloc (09022015). Collection method: clinical testing. Allele origin: germline.
Comment: This sequence change replaces serine, which is neutral and polar, with glycine, which is neutral and non-polar, at codon 198 of the ZNF143 protein (p.Ser198Gly). This variant is present in population databases (rs766424090, gnomAD 0.03%). This variant has not been reported in the literature in individuals affected with ZNF143-related conditions. An algorithm developed to predict the effect of missense changes on protein structure and function outputs the following: PolyPhen-2: "Benign". The glycine amino acid residue is found in multiple mammalian species, which suggests that this missense change does not adversely affect protein function. In summary, the available evidence is currently insufficient to determine the role of this variant in disease. Therefore, it has been classified as a Variant of Uncertain Significance.